The following is an entry in ClinVar:

NM_001042492.3(NF1):c.17C>G (p.Pro6Arg)

Genes: MIR4733HG (MIR4733 host gene; minus strand), NF1 (neurofibromin 1; plus strand), LOC111811965 (NF1 (neurofibromin 1) promoter region; plus strand). Cytogenetic location: 17q11.2.
Variant type: single nucleotide variant.
Coding change: c.17C>G on transcript NM_001042492.3 (MANE Select); coding-DNA position 17, C replaced by G.
Protein change: p.Pro6Arg; replaces proline 6 with arginine.
Molecular consequence: missense variant. On other transcripts: non-coding transcript variant (1).
Genome position (GRCh38, 1-based): chr17:31,095,326, C>G. VCF-style: chr17-31095326-C-G. GRCh37 (hg19) VCF-style: chr17-29422344-C-G.
Other names: c.17C>G, p.Pro6Arg (NM_000267.4, NM_001128147.3); short protein forms P6R.
Identifiers: ClinVar variation 1320710 (VCV001320710.11), dbSNP rs864622210, ClinGen allele CA398979224.

ClinVar aggregate classification (germline): Uncertain significance. Review status: criteria provided, multiple submitters, no conflicts (2 of 4 stars). 4 submissions from 4 submitters: Uncertain significance (4). Last evaluated 2023-08-11.

Conditions:
Hereditary cancer-predisposing syndrome. Also called: Neoplastic Syndromes, Hereditary; Hereditary Cancer Syndrome; Tumor predisposition; Hereditary neoplastic syndrome. Identifiers: Orphanet 140162, MedGen C0027672, MeSH D009386, MONDO:0015356.
Cardiovascular phenotype. Identifiers: MedGen CN230736.
Neurofibromatosis, type 1 (NF1). Also called: NEUROFIBROMATOSIS, TYPE I, SOMATIC; Peripheral type neurofibromatosis; Neurofibromatosis, type I; VON RECKLINGHAUSEN DISEASE. Identifiers: Orphanet 636, MedGen C0027831, MONDO:0018975, OMIM 162200. Disease mechanism: loss of function.

Allele frequency attached by ClinVar (database versions not stated): gnomAD exomes 0.00001.
gnomAD v4.1: 1 of 1,538,730 alleles (0.000065%); highest among the groups gnomAD compares: Admixed American, 0.002%; no homozygotes.

Submissions (4):

Labcorp Genetics (formerly Invitae), Labcorp
Classification: Uncertain significance for Neurofibromatosis, type 1. Last evaluated: 2023-08-11. Review status: criteria provided, single submitter. Criteria: Invitae Variant Classification Sherloc (09022015). Collection method: clinical testing. Allele origin: germline.
Comment: ClinVar contains an entry for this variant (Variation ID: 1320710). In summary, the available evidence is currently insufficient to determine the role of this variant in disease. Therefore, it has been classified as a Variant of Uncertain Significance. Advanced modeling of protein sequence and biophysical properties (such as structural, functional, and spatial information, amino acid conservation, physicochemical variation, residue mobility, and thermodynamic stability) performed at Invitae indicates that this missense variant is expected to disrupt NF1 protein function. This variant has not been reported in the literature in individuals affected with NF1-related conditions. This variant is present in population databases (no rsID available, gnomAD 0.004%). This sequence change replaces proline, which is neutral and non-polar, with arginine, which is basic and polar, at codon 6 of the NF1 protein (p.Pro6Arg).

Ambry Genetics
Classification: Uncertain significance for Cardiovascular phenotype; Hereditary cancer-predisposing syndrome. Last evaluated: 2022-07-11. Review status: criteria provided, single submitter. Criteria: Ambry Variant Classification Scheme 2023. Collection method: clinical testing. Allele origin: germline.
Comment: The p.P6R variant (also known as c.17C>G), located in coding exon 1 of the NF1 gene, results from a C to G substitution at nucleotide position 17. The proline at codon 6 is replaced by arginine, an amino acid with dissimilar properties. This amino acid position is highly conserved in available vertebrate species. In addition, this alteration is predicted to be tolerated by in silico analysis. Since supporting evidence is limited at this time, the clinical significance of this alteration remains unclear.

Genome-Nilou Lab
Classification: Uncertain significance for Neurofibromatosis, type 1. Last evaluated: 2022-03-15. Review status: criteria provided, single submitter. Criteria: ACMG Guidelines, 2015. Collection method: clinical testing. Allele origin: germline. Affected: no.

GeneDx
Classification: Uncertain significance. Last evaluated: 2021-01-04. Review status: criteria provided, single submitter. Criteria: GeneDx Variant Classification Process June 2021. Collection method: clinical testing. Allele origin: germline. Affected: yes.
Comment: In silico analysis supports that this missense variant has a deleterious effect on protein structure/function; Has not been previously published as pathogenic or benign to our knowledge